The following is an entry in ClinVar:

NM_001367624.2(ZNF469):c.11527A>G (p.Lys3843Glu)

Gene: ZNF469 (zinc finger protein 469; plus strand). Cytogenetic location: 16q24.2.
Variant type: single nucleotide variant.
Coding change: c.11527A>G on transcript NM_001367624.2 (MANE Select); coding-DNA position 11527, A replaced by G.
Protein change: p.Lys3843Glu; replaces lysine 3843 with glutamic acid.
Molecular consequence: missense variant.
Genome position (GRCh38, 1-based): chr16:88,438,997, A>G. VCF-style: chr16-88438997-A-G. GRCh37 (hg19) VCF-style: chr16-88505405-A-G.
Other names: short protein forms K3843E.
Identifiers: ClinVar variation 1933992 (VCV001933992.2), dbSNP rs1906809459, ClinGen allele CA397130340.

ClinVar aggregate classification (germline): Uncertain significance (1 of 4 stars; one submission).

Allele frequency attached by ClinVar (database versions not stated): TOPMed below 0.00001; gnomAD exomes 0.00001.
gnomAD v4.1: 10 of 1,550,136 alleles (0.00065%); highest among the groups gnomAD compares: Non-Finnish European, 0.00087%; no homozygotes.

Submission:

Labcorp Genetics (formerly Invitae), Labcorp
Classification: Uncertain significance. Last evaluated: 2022-06-30. Review status: criteria provided, single submitter. Criteria: Invitae Variant Classification Sherloc (09022015). Collection method: clinical testing. Allele origin: germline.
Comment: This sequence change replaces lysine, which is basic and polar, with glutamic acid, which is acidic and polar, at codon 3815 of the ZNF469 protein (p.Lys3815Glu). This variant is not present in population databases (gnomAD no frequency). This variant has not been reported in the literature in individuals affected with ZNF469-related conditions. Algorithms developed to predict the effect of missense changes on protein structure and function are either unavailable or do not agree on the potential impact of this missense change (SIFT: "Tolerated"; PolyPhen-2: "Possibly Damaging"; Align-GVGD: "Class C0"). In summary, the available evidence is currently insufficient to determine the role of this variant in disease. Therefore, it has been classified as a Variant of Uncertain Significance.